The following is an entry in ClinVar:

NM_004168.4(SDHA):c.58A>T (p.Lys20Ter)

Gene: SDHA (succinate dehydrogenase complex flavoprotein subunit A; plus strand). Cytogenetic location: 5p15.33.
Variant type: single nucleotide variant.
Coding change: c.58A>T on transcript NM_004168.4 (MANE Select); coding-DNA position 58, A replaced by T.
Protein change: p.Lys20Ter; replaces lysine 20 with a stop codon.
Molecular consequence: nonsense.
Genome position (GRCh38, 1-based): chr5:218,413, A>T. VCF-style: chr5-218413-A-T. GRCh37 (hg19) VCF-style: chr5-218528-A-T.
Other names: c.58A>T, p.Lys20Ter (NM_001294332.2, NM_001330758.2); c.58A>T (NM_004168.2); short protein forms K20*.
Identifiers: ClinVar variation 4876085 (VCV004876085.2).
Genomic context (GRCh38, chr5:218,413, plus strand): 5'-GACATGTCGGGGGTCCGGGGCCTGTCGCGGCTGCTGAGCGCTCGGCGCCTGGCGCTGGCC[A>T]AGGCGGTGAGTCCGTGCCGCGGACCGGGGCGGGGCAGGCGGGGGCCGAGGCGGCGGTAGG-3'

ClinVar aggregate classification (germline): Pathogenic. Review status: criteria provided, multiple submitters, no conflicts (2 of 4 stars). 2 submissions from 2 submitters: Pathogenic (2). Last evaluated 2026-07-21.

Conditions:
Pheochromocytoma/paraganglioma syndrome 5. Also called: Paragangliomas 5; SDHA-Related Hereditary Paraganglioma-Pheochromocytoma Syndrome. Identifiers: Orphanet 29072, MedGen C3279992, MONDO:0013602, OMIM 614165.
Hereditary cancer-predisposing syndrome. Also called: Neoplastic Syndromes, Hereditary; Tumor predisposition; Hereditary Cancer Syndrome; Hereditary neoplastic syndrome. Identifiers: Orphanet 140162, MedGen C0027672, MeSH D009386, MONDO:0015356.

Submissions (2):

Ambry Genetics
Classification: Pathogenic for Hereditary cancer-predisposing syndrome. Last evaluated: 2026-07-21. Review status: criteria provided, single submitter. Criteria: Ambry Variant Classification Scheme 2023. Collection method: clinical testing. Allele origin: germline.
Comment: The p.K20* pathogenic mutation (also known as c.58A>T), located in coding exon 1 of the SDHA gene, results from an A to T substitution at nucleotide position 58. This changes the amino acid from a lysine to a stop codon within coding exon 1. This variant is considered to be rare based on population cohorts in the Genome Aggregation Database (gnomAD). This alteration is expected to result in loss of function by premature protein truncation or nonsense-mediated mRNA decay. As such, this alteration is interpreted as a disease-causing mutation.

Myriad Genetics, Inc.
Classification: Pathogenic for Pheochromocytoma/paraganglioma syndrome 5. Last evaluated: 2026-06-09. Review status: criteria provided, single submitter. Criteria: Myriad Autosomal Dominant, Autosomal Recessive and X-Linked Classification Criteria (2023). Collection method: clinical testing. Allele origin: unknown.
Comment: This variant is considered pathogenic. This variant creates a termination codon and is predicted to result in premature protein truncation.